The following is an entry in ClinVar:

ClinVar aggregate classification (germline): Uncertain significance (1 of 4 stars; one submission).

Conditions:
Left-right axis malformations. Identifiers: MedGen C1866091.

Submission:

Labcorp Genetics (formerly Invitae), Labcorp
Classification: Uncertain significance for Left-right axis malformations. Last evaluated: 2025-02-19. Review status: criteria provided, single submitter. Criteria: Invitae Variant Classification Sherloc (09022015). Collection method: clinical testing. Allele origin: germline.
Comment: This sequence change creates a premature translational stop signal (p.Gln26Argfs*3) in the LEFTY2 gene. It is expected to result in an absent or disrupted protein product. However, the current clinical and genetic evidence is not sufficient to establish whether loss-of-function variants in LEFTY2 cause disease. This variant is not present in population databases (gnomAD no frequency). This variant has not been reported in the literature in individuals affected with LEFTY2-related conditions. In summary, the available evidence is currently insufficient to determine the role of this variant in disease. Therefore, it has been classified as a Variant of Uncertain Significance.

NM_003240.5(LEFTY2):c.60_76dup (p.Gln26delinsArgProTer)

Gene: LEFTY2 (left-right determination factor 2; minus strand). Cytogenetic location: 1q42.12.
Variant type: Duplication.
Coding change: c.60_76dup on transcript NM_003240.5 (MANE Select); coding-DNA positions 60 to 76, 17 bases duplicated (GGCCCTGACCGAGGAGC).
Protein change: p.Gln26delinsArgProTer.
Molecular consequence: nonsense.
Genome position (GRCh38, 1-based): chr1:225,941,065-225,941,081, GCTCCTCGGTCAGGGCC duplicated on the plus strand (GGCCCTGACCGAGGAGC on the coding strand, the reverse complement: LEFTY2 is on the minus strand); duplicating any 17 consecutive bases within chr1:225,941,065-225,941,083 gives the same sequence; the c. name uses the placement nearest the transcript's 3' end. VCF-style (leftmost placement, unchanged base first): chr1-225941064-T-TGCTCCTCGGTCAGGGCC. GRCh37 (hg19) VCF-style: chr1-226128764-T-TGCTCCTCGGTCAGGGCC.
Other names: c.60_76dup, p.Gln26delinsArgProTer (NM_001172425.3).
Identifiers: ClinVar variation 3621624 (VCV003621624.2).